The following is an entry in ClinVar:

NM_017654.4(SAMD9):c.15T>A (p.Leu5=)

Gene: SAMD9 (sterile alpha motif domain containing 9; minus strand). Cytogenetic location: 7q21.2.
Variant type: single nucleotide variant.
Coding change: c.15T>A on transcript NM_017654.4 (MANE Select); coding-DNA position 15, T replaced by A.
Protein change: p.Leu5=; no amino-acid change (leucine 5 retained).
Molecular consequence: synonymous variant.
Genome position (GRCh38, 1-based): chr7:93,106,083, A>T on the plus strand (T>A on the coding strand, the complement: SAMD9 is on the minus strand). VCF-style: chr7-93106083-A-T. GRCh37 (hg19) VCF-style: chr7-92735396-A-T.
Other names: c.15T>A (NM_017654.3); c.15T>A, p.Leu5= (NM_001193307.2).
Identifiers: ClinVar variation 1670891 (VCV001670891.14), dbSNP rs1161254436, ClinGen allele CA456483448.

ClinVar aggregate classification (germline): Likely benign. Review status: criteria provided, multiple submitters, no conflicts (2 of 4 stars). 4 submissions from 4 submitters: Likely benign (4). Last evaluated 2026-03-01.

Conditions:
Inborn genetic diseases. Identifiers: MedGen C0950123, MeSH D030342.

Allele frequency attached by ClinVar (database versions not stated): gnomAD exomes below 0.00001 and 0.00001; TOPMed below 0.00001; gnomAD 0.00001.

Submissions (4):

CeGaT Center for Human Genetics Tuebingen
Classification: Likely benign. Last evaluated: 2026-03-01. Review status: criteria provided, single submitter. Criteria: CeGaT Center For Human Genetics Tuebingen Variant Classification Criteria Version 2. Collection method: clinical testing. Allele origin: germline. Affected: yes. Observed: 1 variant allele.
Comment: SAMD9: BP4, BP7

Labcorp Genetics (formerly Invitae), Labcorp
Classification: Likely benign. Last evaluated: 2025-08-15. Review status: criteria provided, single submitter. Criteria: Invitae Variant Classification Sherloc (09022015). Collection method: clinical testing. Allele origin: germline.

Ambry Genetics
Classification: Likely benign for Inborn genetic diseases. Last evaluated: 2024-11-23. Review status: criteria provided, single submitter. Criteria: Ambry Variant Classification Scheme 2023. Collection method: clinical testing. Allele origin: germline.

Blueprint Genetics
Classification: Likely benign. Last evaluated: 2024-04-23. Review status: criteria provided, single submitter. Criteria: ACMG Guidelines, 2015. Collection method: clinical testing. Allele origin: germline.